The following is an entry in ClinVar:

NM_001069.3(TUBB2A):c.609T>C (p.Asp203=)

Gene: TUBB2A (tubulin beta 2A class IIa; minus strand). Cytogenetic location: 6p25.2.
Variant type: single nucleotide variant.
Coding change: c.609T>C on transcript NM_001069.3 (MANE Select); coding-DNA position 609, T replaced by C.
Protein change: p.Asp203=; no amino-acid change (aspartic acid 203 retained).
Molecular consequence: synonymous variant.
Genome position (GRCh38, 1-based): chr6:3,154,592, A>G on the plus strand (T>C on the coding strand, the complement: TUBB2A is on the minus strand). VCF-style: chr6-3154592-A-G. GRCh37 (hg19) VCF-style: chr6-3154826-A-G.
Other names: c.354T>C, p.Asp118= (NM_001310315.2).
Identifiers: ClinVar variation 383089 (VCV000383089.11), dbSNP rs11550258, ClinGen allele CA3619007.
Genomic context (GRCh38, chr6:3,154,592, plus strand): 5'-CCCGTAGGTGGGGGTGGTCAGCTTCAGGGTGCGGAAGCAGATGTCATACAGGGCCTCGTT[A>G]TCAATGGAGTAGGTTTCATCTGTGTTTTCCACCAGCTGGTGGACAGAGAGGGTGGCGTTG-3'
Protein context (NP_001060.1, residues 193-213): VENTDETYSI[Asp203=]NEALYDICFR

ClinVar aggregate classification (germline): Benign/Likely benign. Review status: criteria provided, multiple submitters, no conflicts (2 of 4 stars). 2 submissions from 2 submitters: Benign (1); Likely benign (1). Last evaluated 2026-01-29.

Allele frequency attached by ClinVar (database versions not stated): gnomAD 0.00086 and 0.00179; gnomAD exomes 0.00192 and 0.00395; ExAC 0.00446; 1000 Genomes Project 30x 0.00812; 1000 Genomes Project 0.00879.
gnomAD v4.1: 3,118 of 1,613,606 alleles (0.19%); highest among the groups gnomAD compares: South Asian, 2.8%; 62 homozygotes.

Submissions (2):

Labcorp Genetics (formerly Invitae), Labcorp
Classification: Likely benign. Last evaluated: 2026-01-29. Review status: criteria provided, single submitter. Criteria: Invitae Variant Classification Sherloc (09022015). Collection method: clinical testing. Allele origin: germline.

GeneDx
Classification: Benign. Last evaluated: 2016-05-16. Review status: criteria provided, single submitter. Criteria: GeneDx Variant Classification (06012015). Collection method: clinical testing. Allele origin: germline. Affected: yes.
Comment: This variant is considered likely benign or benign based on one or more of the following criteria: it is a conservative change, it occurs at a poorly conserved position in the protein, it is predicted to be benign by multiple in silico algorithms, and/or has population frequency not consistent with disease.